The following is an entry in ClinVar:

NM_002334.4(LRP4):c.3940G>A (p.Gly1314Ser)

Gene: LRP4 (LDL receptor related protein 4; minus strand). Cytogenetic location: 11p11.2.
Variant type: single nucleotide variant.
Coding change: c.3940G>A on transcript NM_002334.4 (MANE Select); coding-DNA position 3940, G replaced by A.
Protein change: p.Gly1314Ser; replaces glycine 1314 with serine.
Molecular consequence: missense variant.
Genome position (GRCh38, 1-based): chr11:46,875,089, C>T on the plus strand (G>A on the coding strand, the complement: LRP4 is on the minus strand). VCF-style: chr11-46875089-C-T. GRCh37 (hg19) VCF-style: chr11-46896640-C-T.
Other names: short protein forms G1314S.
Identifiers: ClinVar variation 849582 (VCV000849582.9), dbSNP rs371961330, ClinGen allele CA5969433.

ClinVar aggregate classification (germline): Uncertain significance. Review status: criteria provided, multiple submitters, no conflicts (2 of 4 stars). 3 submissions from 3 submitters: Uncertain significance (3). Last evaluated 2024-03-30.

Conditions:
Cenani-Lenz syndactyly syndrome. Also called: CENANI SYNDACTYLISM; SYNDACTYLY, TYPE VII. Identifiers: Orphanet 3258, MedGen C1859309, MONDO:0008931, OMIM 212780.
Sclerosteosis 2 (SOST2). Identifiers: Orphanet 3152, MedGen C3280402, MONDO:0013679, OMIM 614305.
Congenital myasthenic syndrome 17. Identifiers: Orphanet 590, MedGen C4225377, MONDO:0014578, OMIM 616304.

Allele frequency attached by ClinVar (database versions not stated): gnomAD exomes 0.00002 and 0.00010; TOPMed 0.00005; gnomAD 0.00008; ExAC 0.00009; 1000 Genomes Project 30x 0.00016; 1000 Genomes Project 0.00020.
gnomAD v4.1: 50 of 1,613,208 alleles (0.0031%); highest among the groups gnomAD compares: East Asian, 0.051%; no homozygotes.

Submissions (3):

Fulgent Genetics
Classification: Uncertain significance for Cenani-Lenz syndactyly syndrome; Sclerosteosis 2; Congenital myasthenic syndrome 17. Last evaluated: 2024-03-30. Review status: criteria provided, single submitter. Criteria: ACMG Guidelines, 2015. Collection method: clinical testing. Allele origin: germline.

Labcorp Genetics (formerly Invitae), Labcorp
Classification: Uncertain significance for Cenani-Lenz syndactyly syndrome; Sclerosteosis 2; Congenital myasthenic syndrome 17. Last evaluated: 2022-12-02. Review status: criteria provided, single submitter. Criteria: Invitae Variant Classification Sherloc (09022015). Collection method: clinical testing. Allele origin: germline.
Comment: In summary, the available evidence is currently insufficient to determine the role of this variant in disease. Therefore, it has been classified as a Variant of Uncertain Significance. Advanced modeling of protein sequence and biophysical properties (such as structural, functional, and spatial information, amino acid conservation, physicochemical variation, residue mobility, and thermodynamic stability) performed at Invitae indicates that this missense variant is not expected to disrupt LRP4 protein function. ClinVar contains an entry for this variant (Variation ID: 849582). This variant has not been reported in the literature in individuals affected with LRP4-related conditions. This variant is present in population databases (rs371961330, gnomAD 0.1%). This sequence change replaces glycine, which is neutral and non-polar, with serine, which is neutral and polar, at codon 1314 of the LRP4 protein (p.Gly1314Ser).

GeneDx
Classification: Uncertain significance. Last evaluated: 2022-06-28. Review status: criteria provided, single submitter. Criteria: GeneDx Variant Classification Process June 2021. Collection method: clinical testing. Allele origin: germline. Affected: yes.
Comment: In silico analysis supports that this missense variant does not alter protein structure/function; Has not been previously published as pathogenic or benign to our knowledge